The following is an entry in ClinVar:

ClinVar aggregate classification (germline): Uncertain significance (1 of 4 stars; one submission).

Conditions:
Brachyolmia-amelogenesis imperfecta syndrome. Also called: Tooth agenesis, selective, 6; Dental anomalies and short stature; PLATYSPONDYLY WITH AMELOGENESIS IMPERFECTA. Identifiers: Orphanet 2899, MedGen C1832594, MONDO:0011018, OMIM 601216. Disease mechanism: loss of function.

Submission:

Labcorp Genetics (formerly Invitae), Labcorp
Classification: Uncertain significance for Brachyolmia-amelogenesis imperfecta syndrome. Last evaluated: 2025-01-23. Review status: criteria provided, single submitter. Criteria: Invitae Variant Classification Sherloc (09022015). Collection method: clinical testing. Allele origin: germline.
Comment: This sequence change falls in intron 11 of the LTBP3 gene. It does not directly change the encoded amino acid sequence of the LTBP3 protein. This variant is not present in population databases (gnomAD no frequency). This variant has not been reported in the literature in individuals affected with LTBP3-related conditions. Algorithms developed to predict the effect of sequence changes on RNA splicing suggest that this variant may disrupt the consensus splice site. In summary, the available evidence is currently insufficient to determine the role of this variant in disease. Therefore, it has been classified as a Variant of Uncertain Significance.

NM_001130144.3(LTBP3):c.1721-9T>A

Gene: LTBP3 (latent transforming growth factor beta binding protein 3; minus strand). Cytogenetic location: 11q13.1.
Variant type: single nucleotide variant.
Coding change: c.1721-9T>A on transcript NM_001130144.3 (MANE Select); 9 bases into the intron before coding-DNA position 1721, T replaced by A.
Molecular consequence: intron variant.
Genome position (GRCh38, 1-based): chr11:65,548,054, A>T on the plus strand (T>A on the coding strand, the complement: LTBP3 is on the minus strand). VCF-style: chr11-65548054-A-T. GRCh37 (hg19) VCF-style: chr11-65315525-A-T.
Other names: c.1370-9T>A (NM_001164266.1); c.1721-9T>A (NM_021070.4).
Identifiers: ClinVar variation 3729526 (VCV003729526.2).